The following is an entry in ClinVar:

ClinVar aggregate classification (germline): Uncertain significance. Review status: criteria provided, multiple submitters, no conflicts (2 of 4 stars). 4 submissions from 4 submitters: Uncertain significance (4). Last evaluated 2025-10-01.

Conditions:
Inborn genetic diseases. Identifiers: MedGen C0950123, MeSH D030342.
Neuronal ceroid lipofuscinosis 13 (CLN13). Also called: CEROID LIPOFUSCINOSIS, NEURONAL, 13 (KUFS TYPE); CLN13 Disease. Identifiers: Orphanet 352709, Orphanet 79262, MedGen C3715049, MONDO:0014147, OMIM 615362.

Allele frequency attached by ClinVar (database versions not stated): gnomAD exomes 0.00001.
gnomAD v4.1: 19 of 1,613,404 alleles (0.0012%); highest among the groups gnomAD compares: South Asian, 0.0044%; no homozygotes.

Submissions (4):

CeGaT Center for Human Genetics Tuebingen
Classification: Uncertain significance. Last evaluated: 2025-10-01. Review status: criteria provided, single submitter. Criteria: CeGaT Center For Human Genetics Tuebingen Variant Classification Criteria Version 2. Collection method: clinical testing. Allele origin: germline. Affected: yes. Observed: 1 variant allele.
Comment: CTSF: PM2, PP2, BP4

Ambry Genetics
Classification: Uncertain significance for Inborn genetic diseases. Last evaluated: 2025-06-10. Review status: criteria provided, single submitter. Criteria: Ambry Variant Classification Scheme 2023. Collection method: clinical testing. Allele origin: germline.

GeneDx
Classification: Uncertain significance. Last evaluated: 2025-02-26. Review status: criteria provided, single submitter. Criteria: GeneDx Variant Classification Process June 2021. Collection method: clinical testing. Allele origin: germline. Affected: yes.
Comment: Not observed at significant frequency in large population cohorts (gnomAD); In silico analysis indicates that this missense variant does not alter protein structure/function; Has not been previously published as pathogenic or benign to our knowledge

Labcorp Genetics (formerly Invitae), Labcorp
Classification: Uncertain significance for Neuronal ceroid lipofuscinosis 13. Last evaluated: 2021-07-11. Review status: criteria provided, single submitter. Criteria: Invitae Variant Classification Sherloc (09022015). Collection method: clinical testing. Allele origin: germline.
Comment: This sequence change replaces serine with leucine at codon 343 of the CTSF protein (p.Ser343Leu). The serine residue is weakly conserved and there is a large physicochemical difference between serine and leucine. This variant is not present in population databases (ExAC no frequency). This variant has not been reported in the literature in individuals affected with CTSF-related conditions. Algorithms developed to predict the effect of missense changes on protein structure and function output the following: SIFT: "Tolerated"; PolyPhen-2: "Benign"; Align-GVGD: "Class C0". The leucine amino acid residue is found in multiple mammalian species, which suggests that this missense change does not adversely affect protein function. In summary, the available evidence is currently insufficient to determine the role of this variant in disease. Therefore, it has been classified as a Variant of Uncertain Significance.

NM_003793.4(CTSF):c.1028C>T (p.Ser343Leu)

Gene: CTSF (cathepsin F; minus strand). Cytogenetic location: 11q13.2.
Variant type: single nucleotide variant.
Coding change: c.1028C>T on transcript NM_003793.4 (MANE Select); coding-DNA position 1028, C replaced by T.
Protein change: p.Ser343Leu; replaces serine 343 with leucine.
Molecular consequence: missense variant.
Genome position (GRCh38, 1-based): chr11:66,565,688, G>A on the plus strand (C>T on the coding strand, the complement: CTSF is on the minus strand). VCF-style: chr11-66565688-G-A. GRCh37 (hg19) VCF-style: chr11-66333159-G-A.
Other names: c.1028C>T (NM_003793.3); short protein forms S343L.
Identifiers: ClinVar variation 1484889 (VCV001484889.16), dbSNP rs200646712, ClinGen allele CA224080453.